The following is an entry in ClinVar:

ClinVar aggregate classification (germline): Conflicting classifications of pathogenicity. Review status: criteria provided, conflicting classifications (1 of 4 stars). 2 submissions from 2 submitters: Likely pathogenic (1); Uncertain significance (1). Last evaluated 2024-06-28.

Conditions:
Primary ciliary dyskinesia 7. Also called: CILIARY DYSKINESIA, PRIMARY, 7, WITH OR WITHOUT SITUS INVERSUS. Identifiers: Orphanet 244, MedGen C2678473, MONDO:0012748, OMIM 611884.
Primary ciliary dyskinesia. Also called: Ciliary dyskinesia. Identifiers: Orphanet 244, MedGen C0008780, MONDO:0016575, HP:0012265.

gnomAD v4.1: 6 of 1,549,402 alleles (0.00039%); highest among the groups gnomAD compares: Admixed American, 0.002%; no homozygotes.

Submissions (2):

ARUP Laboratories, Molecular Genetics and Genomics, ARUP Laboratories
Classification: Uncertain significance for Primary ciliary dyskinesia 7. Last evaluated: 2024-06-28. Review status: criteria provided, single submitter. Criteria: ARUP Molecular Germline Variant Investigation Process 2024. Collection method: clinical testing. Allele origin: germline.
Comment: The DNAH11 c.5095-14A>G variant (rs1305269041), to our knowledge, is not reported in the medical literature or gene specific databases. This variant is only observed on two alleles in the Genome Aggregation Database (v2.1.1), indicating it is not a common polymorphism. This is an intronic variant in a weakly conserved nucleotide, but computational analyses (Alamut Visual Plus v.1.5.1) predict that this variant may impact splicing by creating a novel cryptic acceptor splice site. However, the splicing impact of this variant would need to be determined by functional studies. Due to limited information, the clinical significance of this variant is uncertain at this time.

Labcorp Genetics (formerly Invitae), Labcorp
Classification: Likely pathogenic for Primary ciliary dyskinesia. Last evaluated: 2024-06-26. Review status: criteria provided, single submitter. Criteria: Invitae Variant Classification Sherloc (09022015). Collection method: clinical testing. Allele origin: germline.
Comment: This sequence change falls in intron 29 of the DNAH11 gene. It does not directly change the encoded amino acid sequence of the DNAH11 protein. This variant is present in population databases (no rsID available, gnomAD 0.006%). This variant has been observed in individual(s) with primary ciliary dyskinesia (Invitae; external communication). In at least one individual the data is consistent with being in trans (on the opposite chromosome) from a pathogenic variant. Algorithms developed to predict the effect of sequence changes on RNA splicing suggest that this variant may disrupt the consensus splice site. In summary, the currently available evidence indicates that the variant is pathogenic, but additional data are needed to prove that conclusively. Therefore, this variant has been classified as Likely Pathogenic.

NM_001277115.2(DNAH11):c.5095-14A>G

Gene: DNAH11 (dynein axonemal heavy chain 11; plus strand). Cytogenetic location: 7p15.3.
Variant type: single nucleotide variant.
Coding change: c.5095-14A>G on transcript NM_001277115.2 (MANE Select); 14 bases into the intron before coding-DNA position 5095, A replaced by G.
Molecular consequence: intron variant.
Genome position (GRCh38, 1-based): chr7:21,658,784, A>G. VCF-style: chr7-21658784-A-G. GRCh37 (hg19) VCF-style: chr7-21698402-A-G.
Identifiers: ClinVar variation 3673582 (VCV003673582.3).